The following is an entry in ClinVar:

ClinVar aggregate classification (germline): Uncertain significance. Review status: criteria provided, multiple submitters, no conflicts (2 of 4 stars). 2 submissions from 2 submitters: Uncertain significance (2). Last evaluated 2023-12-27.

Conditions:
Charcot-Marie-Tooth disease dominant intermediate E. Also called: CHARCOT-MARIE-TOOTH NEUROPATHY WITH FOCAL SEGMENTAL GLOMERULONEPHRITIS. Identifiers: Orphanet 93114, MedGen C4302667, MONDO:0013758, OMIM 614455.
Focal segmental glomerulosclerosis 5 (FSGS5). Identifiers: Orphanet 656, MedGen C2750475, MONDO:0013191, OMIM 613237.

Submissions (2):

Fulgent Genetics
Classification: Uncertain significance for Focal segmental glomerulosclerosis 5; Charcot-Marie-Tooth disease dominant intermediate E. Last evaluated: 2023-12-27. Review status: criteria provided, single submitter. Criteria: ACMG Guidelines, 2015. Collection method: clinical testing. Allele origin: germline.

Labcorp Genetics (formerly Invitae), Labcorp
Classification: Uncertain significance for Charcot-Marie-Tooth disease dominant intermediate E; Focal segmental glomerulosclerosis 5. Last evaluated: 2021-12-15. Review status: criteria provided, single submitter. Criteria: Invitae Variant Classification Sherloc (09022015). Collection method: clinical testing. Allele origin: germline.
Comment: This sequence change replaces methionine, which is neutral and non-polar, with leucine, which is neutral and non-polar, at codon 733 of the INF2 protein (p.Met733Leu). This variant is not present in population databases (gnomAD no frequency). This variant has not been reported in the literature in individuals affected with INF2-related conditions. Algorithms developed to predict the effect of missense changes on protein structure and function output the following: SIFT: "Tolerated"; PolyPhen-2: "Not Available"; Align-GVGD: "Class C0". The leucine amino acid residue is found in multiple mammalian species, which suggests that this missense change does not adversely affect protein function. In summary, the available evidence is currently insufficient to determine the role of this variant in disease. Therefore, it has been classified as a Variant of Uncertain Significance.

NM_022489.4(INF2):c.2197A>T (p.Met733Leu)

Gene: INF2 (inverted formin 2; plus strand). Cytogenetic location: 14q32.33.
Variant type: single nucleotide variant.
Coding change: c.2197A>T on transcript NM_022489.4 (MANE Select); coding-DNA position 2197, A replaced by T.
Protein change: p.Met733Leu; replaces methionine 733 with leucine.
Molecular consequence: missense variant.
Genome position (GRCh38, 1-based): chr14:104,710,146, A>T. VCF-style: chr14-104710146-A-T. GRCh37 (hg19) VCF-style: chr14-105176483-A-T.
Other names: c.2197A>T, p.Met733Leu (NM_001031714.4); short protein forms M733L.
Identifiers: ClinVar variation 2043798 (VCV002043798.5), dbSNP rs1053831941, ClinGen allele CA391220467.